The following is an entry in ClinVar:

NM_000094.4(COL7A1):c.139del (p.Ser47fs)

Gene: COL7A1 (collagen type VII alpha 1 chain; minus strand). Cytogenetic location: 3p21.31.
Variant type: Deletion.
Coding change: c.139del on transcript NM_000094.4 (MANE Select); coding-DNA position 139, one base deleted (T; older notation c.139delT).
Protein change: p.Ser47fs; shifts the reading frame from serine 47.
Molecular consequence: frameshift variant.
Genome position (GRCh38, 1-based): chr3:48,594,495, A deleted on the plus strand (T on the coding strand, the reverse complement: COL7A1 is on the minus strand). VCF-style (leftmost placement, unchanged base first): chr3-48594494-GA-G. GRCh37 (hg19) VCF-style: chr3-48631927-GA-G.
Other names: short protein forms S47fs.
Identifiers: ClinVar variation 1968205 (VCV001968205.6), dbSNP rs1453568434, ClinGen allele CA543046100.

ClinVar aggregate classification (germline): Pathogenic/Likely pathogenic. Review status: criteria provided, multiple submitters, no conflicts (2 of 4 stars). 2 submissions from 2 submitters: Pathogenic (1); Likely pathogenic (1). Last evaluated 2025-02-19.

Conditions:
Epidermolysis bullosa dystrophica. Also called: Dystrophic epidermolysis bullosa; Dystrophic epidermolysis bullosa, Hallopeau-Siemens type (formerly). Identifiers: Orphanet 303, MedGen C0079294, MONDO:0006543.

Allele frequency attached by ClinVar (database versions not stated): gnomAD 0.00001; gnomAD exomes 0.00001; TOPMed 0.00001.

Submissions (2):

Natera, Inc.
Classification: Likely pathogenic for Dystrophic epidermolysis bullosa. Last evaluated: 2025-02-19. Review status: criteria provided, single submitter. Criteria: Natera Variant Classification Schema (03/2026). Collection method: clinical testing. Allele origin: germline.
Comment: The c.139delT variant in COL7A1 is a frameshift variant predicted to shift the reading frame beginning at codon 47 and leads to a stop codon 57 codons downstream. This variant is expected to result in nonsense mediated decay, truncation, or a dysfunctional protein product. This variant is rare in the general population with a frequency below the threshold expected for the associated phenotype(s). Given the available evidence, this variant is classified as Likely Pathogenic.

Labcorp Genetics (formerly Invitae), Labcorp
Classification: Pathogenic. Last evaluated: 2023-09-14. Review status: criteria provided, single submitter. Criteria: Invitae Variant Classification Sherloc (09022015). Collection method: clinical testing. Allele origin: germline.
Comment: For these reasons, this variant has been classified as Pathogenic. ClinVar contains an entry for this variant (Variation ID: 1968205). This variant has not been reported in the literature in individuals affected with COL7A1-related conditions. This variant is present in population databases (no rsID available, gnomAD 0.006%). This sequence change creates a premature translational stop signal (p.Ser47Hisfs*57) in the COL7A1 gene. It is expected to result in an absent or disrupted protein product. Loss-of-function variants in COL7A1 are known to be pathogenic (PMID: 16971478).

Literature cited by the submitters: PubMed 16971478 (cited by Labcorp Genetics (formerly Invitae), Labcorp).